The following is an entry in ClinVar:

NM_000327.4(ROM1):c.1006G>A (p.Glu336Lys)

Gene: ROM1 (retinal outer segment membrane protein 1; plus strand). Cytogenetic location: 11q12.3.
Variant type: single nucleotide variant.
Coding change: c.1006G>A on transcript NM_000327.4 (MANE Select); coding-DNA position 1006, G replaced by A.
Protein change: p.Glu336Lys; replaces glutamic acid 336 with lysine.
Molecular consequence: missense variant.
Genome position (GRCh38, 1-based): chr11:62,614,789, G>A. VCF-style: chr11-62614789-G-A. GRCh37 (hg19) VCF-style: chr11-62382261-G-A.
Other names: short protein forms E336K.
Identifiers: ClinVar variation 1413175 (VCV001413175.7), dbSNP rs752319533, ClinGen allele CA6049896.

ClinVar aggregate classification (germline): Uncertain significance. Review status: criteria provided, multiple submitters, no conflicts (2 of 4 stars). 2 submissions from 2 submitters: Uncertain significance (2). Last evaluated 2025-06-18.

Allele frequency attached by ClinVar (database versions not stated): ExAC 0.00005; TOPMed 0.00005; gnomAD exomes 0.00006 and 0.00008; gnomAD 0.00008.

Submissions (2):

Labcorp Genetics (formerly Invitae), Labcorp
Classification: Uncertain significance. Last evaluated: 2025-06-18. Review status: criteria provided, single submitter. Criteria: Invitae Variant Classification Sherloc (09022015). Collection method: clinical testing. Allele origin: germline.
Comment: This sequence change replaces glutamic acid, which is acidic and polar, with lysine, which is basic and polar, at codon 336 of the ROM1 protein (p.Glu336Lys). This variant is present in population databases (rs752319533, gnomAD 0.02%). This variant has not been reported in the literature in individuals affected with ROM1-related conditions. ClinVar contains an entry for this variant (Variation ID: 1413175). Invitae Evidence Modeling of protein sequence and biophysical properties (such as structural, functional, and spatial information, amino acid conservation, physicochemical variation, residue mobility, and thermodynamic stability) indicates that this missense variant is not expected to disrupt ROM1 protein function with a negative predictive value of 80%. In summary, the available evidence is currently insufficient to determine the role of this variant in disease. Therefore, it has been classified as a Variant of Uncertain Significance.

Blueprint Genetics
Classification: Uncertain significance. Last evaluated: 2024-11-27. Review status: criteria provided, single submitter. Criteria: ACMG Guidelines, 2015. Collection method: clinical testing. Allele origin: germline.